The following is an entry in ClinVar:

ClinVar aggregate classification (germline): Uncertain significance. Review status: criteria provided, multiple submitters, no conflicts (2 of 4 stars). 2 submissions from 2 submitters: Uncertain significance (2). Last evaluated 2024-11-18.

Conditions:
Diabetes insipidus, nephrogenic, X-linked. Also called: Nephrogenic Diabetes Insipidus, Type I. Identifiers: Orphanet 223, MedGen C1563705, MONDO:0010581, OMIM 304800.
Nephrogenic syndrome of inappropriate antidiuresis (NSIAD). Identifiers: Orphanet 93606, MedGen C1845202, MONDO:0010356, OMIM 300539.

Submissions (2):

Labcorp Genetics (formerly Invitae), Labcorp
Classification: Uncertain significance. Last evaluated: 2024-11-18. Review status: criteria provided, single submitter. Criteria: Invitae Variant Classification Sherloc (09022015). Collection method: clinical testing. Allele origin: germline.
Comment: This sequence change replaces isoleucine, which is neutral and non-polar, with threonine, which is neutral and polar, at codon 78 of the AVPR2 protein (p.Ile78Thr). This variant is not present in population databases (gnomAD no frequency). This variant has not been reported in the literature in individuals affected with AVPR2-related conditions. Invitae Evidence Modeling of protein sequence and biophysical properties (such as structural, functional, and spatial information, amino acid conservation, physicochemical variation, residue mobility, and thermodynamic stability) indicates that this missense variant is expected to disrupt AVPR2 protein function with a positive predictive value of 80%. In summary, the available evidence is currently insufficient to determine the role of this variant in disease. Therefore, it has been classified as a Variant of Uncertain Significance.

Fulgent Genetics
Classification: Uncertain significance for Nephrogenic syndrome of inappropriate antidiuresis; Diabetes insipidus, nephrogenic, X-linked. Last evaluated: 2024-06-04. Review status: criteria provided, single submitter. Criteria: ACMG Guidelines, 2015. Collection method: clinical testing. Allele origin: germline.

NM_000054.7(AVPR2):c.233T>C (p.Ile78Thr)

Gene: AVPR2 (arginine vasopressin receptor 2; plus strand). Cytogenetic location: Xq28.
Variant type: single nucleotide variant.
Coding change: c.233T>C on transcript NM_000054.7 (MANE Select); coding-DNA position 233, T replaced by C.
Protein change: p.Ile78Thr; replaces isoleucine 78 with threonine.
Molecular consequence: missense variant.
Genome position (GRCh38, 1-based): chrX:153,905,739, T>C. VCF-style: chrX-153905739-T-C. GRCh37 (hg19) VCF-style: chrX-153171193-T-C.
Other names: c.233T>C, p.Ile78Thr (NM_001146151.3); c.233T>C (NM_000054.6); short protein forms I78T.
Identifiers: ClinVar variation 3598168 (VCV003598168.3).